The following is an entry in ClinVar:

ClinVar aggregate classification (germline): Uncertain significance (1 of 4 stars; one submission).

Conditions:
Osteogenesis imperfecta type 7 (OI7). Also called: OSTEOGENESIS IMPERFECTA, TYPE IIB; OI type 7; OI type VII; Osteogenesis imperfecta type 2B; OI type 2B; Osteogenesis imperfecta, perinatal lethal autosomal recessive. Identifiers: MedGen C1853162, MONDO:0012536, OMIM 610682.

Allele frequency attached by ClinVar (database versions not stated): gnomAD exomes below 0.00001; gnomAD 0.00001.
gnomAD v4.1: 2 of 1,586,006 alleles (0.00013%); highest among the groups gnomAD compares: Non-Finnish European, 0.00017%; no homozygotes.

Submission:

Labcorp Genetics (formerly Invitae), Labcorp
Classification: Uncertain significance for Osteogenesis imperfecta type 7. Last evaluated: 2022-06-25. Review status: criteria provided, single submitter. Criteria: Invitae Variant Classification Sherloc (09022015). Collection method: clinical testing. Allele origin: germline.
Comment: This sequence change replaces tyrosine, which is neutral and polar, with cysteine, which is neutral and slightly polar, at codon 28 of the CRTAP protein (p.Tyr28Cys). This variant is not present in population databases (gnomAD no frequency). This variant has not been reported in the literature in individuals affected with CRTAP-related conditions. Algorithms developed to predict the effect of missense changes on protein structure and function are either unavailable or do not agree on the potential impact of this missense change (SIFT: "Deleterious"; PolyPhen-2: "Probably Damaging"; Align-GVGD: "Class C0"). In summary, the available evidence is currently insufficient to determine the role of this variant in disease. Therefore, it has been classified as a Variant of Uncertain Significance.

NM_006371.5(CRTAP):c.83A>G (p.Tyr28Cys)

Gene: CRTAP (cartilage associated protein; plus strand). Cytogenetic location: 3p22.3.
Variant type: single nucleotide variant.
Coding change: c.83A>G on transcript NM_006371.5 (MANE Select); coding-DNA position 83, A replaced by G.
Protein change: p.Tyr28Cys; replaces tyrosine 28 with cysteine.
Molecular consequence: missense variant.
Genome position (GRCh38, 1-based): chr3:33,114,160, A>G. VCF-style: chr3-33114160-A-G. GRCh37 (hg19) VCF-style: chr3-33155652-A-G.
Other names: c.83A>G, p.Tyr28Cys (NM_001393363.1, NM_001393364.1, NM_001393365.1); short protein forms Y28C.
Identifiers: ClinVar variation 1968939 (VCV001968939.5), dbSNP rs1204244110, ClinGen allele CA352008119.
Genomic context (GRCh38, chr3:33,114,160, plus strand): 5'-CCGCGGCGCTGCTAGCGCTGCTGTGCGTGGCCTGCGCGCTGCGCGCCGGGCGCGCCCAAT[A>G]CGAACGCTACAGCTTCCGCAGCTTCCCACGGGACGAGCTGATGCCGCTCGAGTCGGCCTA-3'
Protein context (NP_006362.1, residues 18-38): ACALRAGRAQ[Tyr28Cys]ERYSFRSFPR